The following is an entry in ClinVar:

ClinVar aggregate classification (germline): Conflicting classifications of pathogenicity. Review status: criteria provided, conflicting classifications (1 of 4 stars). 8 submissions from 8 submitters: Uncertain significance (3); Benign (1); Likely benign (3). 1 of the submissions does not count toward it. Last evaluated 2026-02-02.

Conditions:
Optic atrophy. Identifiers: MedGen C0029124, MONDO:0003608, HP:0000648.
Retinitis pigmentosa (RP). Identifiers: Orphanet 791, MedGen C0035334, MeSH D012174, MONDO:0019200, OMIM 268000. Inheritance: Autosomal dominant, autosomal recessive and X linked inheritance.
EYS-related disorder. Also called: EYS-related condition.
Retinitis pigmentosa 25 (RP25). Identifiers: Orphanet 791, MedGen C1864446, MONDO:0011272, OMIM 602772.

Allele frequency attached by ClinVar (database versions not stated): gnomAD exomes 0.00051; ExAC 0.00095; gnomAD 0.00223 and 0.00226; 1000 Genomes Project 0.00240; TOPMed 0.00245; 1000 Genomes Project 30x 0.00328; ESP Exome Variant Server 0.00372.
gnomAD v4.1: 634 of 1,550,532 alleles (0.041%); highest among the groups gnomAD compares: African/African-American, 0.76%; 10 homozygotes.

Submissions (8):

Labcorp Genetics (formerly Invitae), Labcorp
Classification: Benign. Last evaluated: 2026-02-02. Review status: criteria provided, single submitter. Criteria: Invitae Variant Classification Sherloc (09022015). Collection method: clinical testing. Allele origin: germline.

PreventionGenetics, part of Exact Sciences
Classification: Likely benign for EYS-related condition. Last evaluated: 2025-10-03. Review status: criteria provided, single submitter. Criteria: ACMG Guidelines, 2015. Collection method: clinical testing. Allele origin: germline.
Comment: This variant is classified as likely benign based on ACMG/AMP sequence variant interpretation guidelines (Richards et al. 2015 PMID: 25741868, with internal and published modifications).

Blueprint Genetics
Classification: Likely benign. Last evaluated: 2024-09-09. Review status: criteria provided, single submitter. Criteria: ACMG Guidelines, 2015. Collection method: clinical testing. Allele origin: germline.

Institute of Human Genetics, Univ. Regensburg, Univ. Regensburg
Classification: Uncertain significance for Optic atrophy. Last evaluated: 2023-01-01. Review status: criteria provided, single submitter. Criteria: ACMG Guidelines, 2015. Collection method: clinical testing. Allele origin: germline. Affected: yes.

Mendelics
Classification: Uncertain significance for Retinitis pigmentosa 25. Last evaluated: 2021-09-14. Review status: criteria provided, single submitter. Criteria: Mendelics Assertion Criteria 2017. Collection method: clinical testing. Allele origin: unknown.

GeneDx
Classification: Likely benign. Last evaluated: 2019-05-03. Review status: criteria provided, single submitter. Criteria: GeneDx Variant Classification Process June 2021. Collection method: clinical testing. Allele origin: germline. Affected: yes.
Comment: This variant is associated with the following publications: (PMID: 26787102, 20333770)

Illumina Laboratory Services, Illumina
Classification: Uncertain significance for Retinitis pigmentosa. Last evaluated: 2017-04-27. Review status: criteria provided, single submitter. Criteria: ICSL Variant Classification Criteria 13 December 2019. Collection method: clinical testing. Allele origin: germline.
Comment: This variant was observed as part of a predisposition screen in an ostensibly healthy population. A literature search was performed for the gene, cDNA change, and amino acid change (where applicable). Publications were found based on this search. However, the evidence from the literature, in combination with allele frequency data from public databases where available, was not sufficient to rule this variant in or out of causing disease. Therefore, this variant is classified as a variant of unknown significance.

Counsyl
Classification: Uncertain significance for Retinitis pigmentosa 25. Last evaluated: 2017-11-07. Review status: no assertion criteria provided. Collection method: clinical testing. Allele origin: unknown. Not counted in ClinVar's aggregate classification.

Literature cited by the submitters: PubMed 20333770 (cited by 3 submitters); PubMed 3442652 (cited by Institute of Human Genetics, Univ. Regensburg, Univ. Regensburg); PubMed 17156103 (cited by Illumina Laboratory Services, Illumina); PubMed 9585594 (cited by Illumina Laboratory Services, Illumina).

NM_001142800.2(EYS):c.3329C>G (p.Thr1110Ser)

Gene: EYS (EGF-like photoreceptor maintenance factor; minus strand). Cytogenetic location: 6q12.
Variant type: single nucleotide variant.
Coding change: c.3329C>G on transcript NM_001142800.2 (MANE Select); coding-DNA position 3329, C replaced by G.
Protein change: p.Thr1110Ser; replaces threonine 1110 with serine.
Molecular consequence: missense variant.
Genome position (GRCh38, 1-based): chr6:64,813,492, G>C on the plus strand (C>G on the coding strand, the complement: EYS is on the minus strand). VCF-style: chr6-64813492-G-C. GRCh37 (hg19) VCF-style: chr6-65523385-G-C.
Other names: c.3329C>G, p.Thr1110Ser (NM_001292009.2); short protein forms T1110S.
Identifiers: ClinVar variation 554662 (VCV000554662.22), dbSNP rs143327210, ClinGen allele CA3877173.
Genomic context (GRCh38, chr6:64,813,492, plus strand): 5'-ATGACTGAATTAAGTTCAGGCTCAGCACAATTATCAATGCTTTTTTCACAGTATGCACCA[G>C]TGTATCCACGTGGGCAAATGCAAGTAAATCCATGTGCTGACTTCTGACAGAAGCCTTCAT-3'
Protein context (NP_001136272.1, residues 1100-1120): GFTCICPRGY[Thr1110Ser]GAYCEKSIDN